The following is an entry in ClinVar:

ClinVar aggregate classification (germline): Uncertain significance (1 of 4 stars; one submission).

gnomAD v4.1: 1 of 1,614,044 alleles (0.000062%); highest among the groups gnomAD compares: African/African-American, 0.0013%; no homozygotes.

Submission:

GeneDx
Classification: Uncertain significance. Last evaluated: 2026-01-27. Review status: criteria provided, single submitter. Criteria: GeneDx Variant Classification Process June 2021. Collection method: clinical testing. Allele origin: germline.
Comment: Not observed at significant frequency in large population cohorts (gnomAD); In silico analysis supports that this missense variant has a deleterious effect on protein structure/function; Has not been previously published as pathogenic or benign to our knowledge

NM_012210.4(TRIM32):c.830A>G (p.Asp277Gly)

Genes: ASTN2 (astrotactin 2; minus strand), TRIM32 (tripartite motif containing 32; plus strand). Cytogenetic location: 9q33.1.
Variant type: single nucleotide variant.
Coding change: c.830A>G on transcript NM_012210.4 (MANE Select); coding-DNA position 830, A replaced by G.
Protein change: p.Asp277Gly; replaces aspartic acid 277 with glycine.
Molecular consequence: missense variant. On other transcripts: intron variant (3).
Genome position (GRCh38, 1-based): chr9:116,698,572, A>G. VCF-style: chr9-116698572-A-G. GRCh37 (hg19) VCF-style: chr9-119460851-A-G.
Other names: c.830A>G, p.Asp277Gly (NM_001099679.2, NM_001379048.1, NM_001379049.1 and 1 more transcripts); c.2653+27199T>C (NM_014010.5); c.2794+27199T>C (NM_001365069.1); c.2806+27199T>C (NM_001365068.1); short protein forms D277G.
Identifiers: ClinVar variation 4975792 (VCV004975792.1).